The following is an entry in ClinVar:

NM_004813.4(PEX16):c.737G>A (p.Trp246Ter)

Gene: PEX16 (peroxisomal biogenesis factor 16; minus strand). Cytogenetic location: 11p11.2.
Variant type: single nucleotide variant.
Coding change: c.737G>A on transcript NM_004813.4 (MANE Select); coding-DNA position 737, G replaced by A.
Protein change: p.Trp246Ter; replaces tryptophan 246 with a stop codon.
Molecular consequence: nonsense.
Genome position (GRCh38, 1-based): chr11:45,914,161, C>T on the plus strand (G>A on the coding strand, the complement: PEX16 is on the minus strand). VCF-style: chr11-45914161-C-T. GRCh37 (hg19) VCF-style: chr11-45935712-C-T.
Other names: c.737G>A, p.Trp246Ter (NM_057174.3); short protein forms W246*.
Identifiers: ClinVar variation 1455420 (VCV001455420.6), dbSNP rs2086807269, ClinGen allele CA380226711.

ClinVar aggregate classification (germline): Pathogenic (1 of 4 stars; one submission).

Conditions:
Peroxisome biogenesis disorder. Identifiers: Orphanet 79189, MedGen C1832200, MONDO:0019234. Disease mechanism: loss of function.

Allele frequency attached by ClinVar (database versions not stated): TOPMed below 0.00001.

Submission:

Labcorp Genetics (formerly Invitae), Labcorp
Classification: Pathogenic for Peroxisome biogenesis disorder. Last evaluated: 2021-07-05. Review status: criteria provided, single submitter. Criteria: Invitae Variant Classification Sherloc (09022015). Collection method: clinical testing. Allele origin: germline.
Comment: For these reasons, this variant has been classified as Pathogenic. This variant has not been reported in the literature in individuals affected with PEX16-related conditions. This variant is not present in population databases (ExAC no frequency). This sequence change creates a premature translational stop signal (p.Trp246*) in the PEX16 gene. It is expected to result in an absent or disrupted protein product. Loss-of-function variants in PEX16 are known to be pathogenic (PMID: 9837814, 11890679, 20647552, 20681997).

Literature cited by the submitters: PubMed 9837814; PubMed 11890679; PubMed 20647552; PubMed 20681997.